The following is an entry in ClinVar:

ClinVar aggregate classification (germline): Pathogenic (1 of 4 stars; one submission).

Conditions:
Clark-Baraitser syndrome. Also called: MENTAL RETARDATION, AUTOSOMAL DOMINANT 49; BARAITSER SYNDROME; Mental retardation, tall stature, obesity, macrocephaly and typical facial features; Intellectual disability, autosomal dominant 49. Identifiers: Orphanet 600731, MedGen C2931130, MONDO:0030914, OMIM 617752.

Submission:

Broad Center for Mendelian Genomics, Broad Institute of MIT and Harvard
Classification: Pathogenic for Clark-Baraitser syndrome. Last evaluated: 2026-03-02. Review status: criteria provided, single submitter. Criteria: ACMG Guidelines, 2015. Collection method: research. Allele origin: germline. Inheritance: Autosomal dominant inheritance.
Comment: Trio exome analysis showed this variant to be de novo. The p.Ser361ValfsTer2 variant in TRIP12 has not been previously reported in the literature in individuals with Clark-Baraitser syndrome and was absent from large population studies. This variant is predicted to cause a frameshift, which alters the protein’s amino acid sequence beginning at position 361 and leads to a premature termination codon 2 amino acids downstream. This alteration is then predicted to lead to a truncated or absent protein. Heterozygous loss of function of the TRIP12 gene is an established disease mechanism in Clark-Baraitser syndrome. In summary, this variant meets criteria to be classified as pathogenic for autosomal dominant Clark-Baraitser syndrome. ACMG/AMP Criteria applied: PVS1, PM2_supporting, PS2_supporting (Richards 2015).

NM_001348323.3(TRIP12):c.1080del (p.Ser361fs)

Gene: TRIP12 (thyroid hormone receptor interactor 12; minus strand). Cytogenetic location: 2q36.3.
Variant type: Deletion.
Coding change: c.1080del on transcript NM_001348323.3 (MANE Select); coding-DNA position 1080, one base deleted (C; older notation c.1080delC).
Protein change: p.Ser361fs; shifts the reading frame from serine 361.
Molecular consequence: frameshift variant. On other transcripts: intron variant (1).
Genome position (GRCh38, 1-based): chr2:229,840,875, G deleted on the plus strand (C on the coding strand, the reverse complement: TRIP12 is on the minus strand); the first of 4 consecutive G bases (chr2:229,840,875-229,840,878); deleting any one gives the same sequence. VCF-style (leftmost placement, unchanged base first): chr2-229840874-TG-T. GRCh37 (hg19) VCF-style: chr2-230705590-TG-T.
Other names: NM_001348335.2:c.1080del; c.1080del, p.Ser361fs (NM_001284214.2, NM_001348315.2, NM_001348319.1 and 13 more transcripts); c.954del, p.Ser319fs (NM_001284215.2, NM_001348316.2, NM_001348317.1 and 3 more transcripts); c.993del, p.Ser332fs (NM_001348332.1, NM_001348334.1); c.99-3891del (NM_001284216.2); short protein forms S319fs, S332fs, S361fs.
Identifiers: ClinVar variation 4819459 (VCV004819459.1).
Genomic context (GRCh38, chr2:229,840,874, plus strand): 5'-CAAATTACCTGGTACTAGCACAGGAGCCCGTGGTCTTTTGGCGTGTGCTCCGCCTCAAAC[TG>T]GGGAGCTCAGCAGGTGGAGACTCACTGCGTTTCTTCGTAGATTTTCTTAAACCTATCCAC-3'